The following is an entry in ClinVar:

NM_000257.4(MYH7):c.755T>A (p.Phe252Tyr)

Gene: MYH7 (myosin heavy chain 7; minus strand). Cytogenetic location: 14q11.2.
Variant type: single nucleotide variant.
Coding change: c.755T>A on transcript NM_000257.4 (MANE Select); coding-DNA position 755, T replaced by A.
Protein change: p.Phe252Tyr; replaces phenylalanine 252 with tyrosine.
Molecular consequence: missense variant.
Genome position (GRCh38, 1-based): chr14:23,431,459, A>T on the plus strand (T>A on the coding strand, the complement: MYH7 is on the minus strand). VCF-style: chr14-23431459-A-T. GRCh37 (hg19) VCF-style: chr14-23900668-A-T.
Other names: c.755T>A, p.Phe252Tyr (NM_001407004.1); short protein forms F252Y.
Identifiers: ClinVar variation 3636054 (VCV003636054.2).

ClinVar aggregate classification (germline): Likely pathogenic (1 of 4 stars; one submission).

Conditions:
Hypertrophic cardiomyopathy. Also called: HYPERTROPHIC MYOCARDIOPATHY. Identifiers: Orphanet 217569, MedGen C0007194, MeSH D002312, MONDO:0005045, HP:0001639.

Submission:

Labcorp Genetics (formerly Invitae), Labcorp
Classification: Likely pathogenic for Hypertrophic cardiomyopathy. Last evaluated: 2024-04-25. Review status: criteria provided, single submitter. Criteria: Invitae Variant Classification Sherloc (09022015). Collection method: clinical testing. Allele origin: germline.
Comment: This sequence change replaces phenylalanine, which is neutral and non-polar, with tyrosine, which is neutral and polar, at codon 252 of the MYH7 protein (p.Phe252Tyr). This variant is not present in population databases (gnomAD no frequency). This missense change has been observed in individual(s) with hypertrophic cardiomyopathy (PMID: 28356264). Advanced modeling of protein sequence and biophysical properties (such as structural, functional, and spatial information, amino acid conservation, physicochemical variation, residue mobility, and thermodynamic stability) performed at Invitae indicates that this missense variant is expected to disrupt MYH7 protein function with a positive predictive value of 95%. This variant disrupts the p.Phe252 amino acid residue in MYH7. Other variant(s) that disrupt this residue have been determined to be pathogenic (PMID: 25422285; Invitae). This suggests that this residue is clinically significant, and that variants that disrupt this residue are likely to be disease-causing. In summary, the currently available evidence indicates that the variant is pathogenic, but additional data are needed to prove that conclusively. Therefore, this variant has been classified as Likely Pathogenic.

Literature cited by the submitters: PubMed 28356264; PubMed 25422285.